The following is an entry in ClinVar:

ClinVar aggregate classification (germline): Likely benign. Review status: criteria provided, multiple submitters, no conflicts (2 of 4 stars). 2 submissions from 2 submitters: Likely benign (2). Last evaluated 2025-08-05.

Conditions:
POLD1-related polyposis and colorectal cancer syndrome (CRCS10). Also called: Colorectal cancer, susceptibility to, 10; Colorectal cancer 10; COLORECTAL CANCER, SUSCEPTIBILITY TO, ON CHROMOSOME 19q. Identifiers: Orphanet 220460, MedGen C2675481, MONDO:0012953, OMIM 612591.

Allele frequency attached by ClinVar (database versions not stated): gnomAD exomes below 0.00001; ExAC 0.00001.
gnomAD v4.1: 9 of 1,614,180 alleles (0.00056%); highest among the groups gnomAD compares: Admixed American, 0.0017%; no homozygotes.

Submissions (2):

Labcorp Genetics (formerly Invitae), Labcorp
Classification: Likely benign for POLD1-related polyposis and colorectal cancer syndrome. Last evaluated: 2025-08-05. Review status: criteria provided, single submitter. Criteria: Invitae Variant Classification Sherloc (09022015). Collection method: clinical testing. Allele origin: germline.

GeneDx
Classification: Likely benign. Last evaluated: 2017-03-01. Review status: criteria provided, single submitter. Criteria: GeneDx Variant Classification (06012015). Collection method: clinical testing. Allele origin: germline. Affected: yes.
Comment: This variant is considered likely benign or benign based on one or more of the following criteria: it is a conservative change, it occurs at a poorly conserved position in the protein, it is predicted to be benign by multiple in silico algorithms, and/or has population frequency not consistent with disease.

NM_002691.4(POLD1):c.464-12C>T

Gene: POLD1 (DNA polymerase delta 1, catalytic subunit; plus strand). Cytogenetic location: 19q13.33.
Variant type: single nucleotide variant.
Coding change: c.464-12C>T on transcript NM_002691.4 (MANE Select); 12 bases into the intron before coding-DNA position 464, C replaced by T.
Molecular consequence: intron variant.
Genome position (GRCh38, 1-based): chr19:50,401,987, C>T. VCF-style: chr19-50401987-C-T. GRCh37 (hg19) VCF-style: chr19-50905244-C-T.
Other names: c.464-12C>T (LRG_785t2, LRG_785t1, NM_001256849.1 and 1 more transcripts).
Identifiers: ClinVar variation 386070 (VCV000386070.5), dbSNP rs770397805, ClinGen allele CA9595749.